The following is an entry in ClinVar:

NM_021930.6(RINT1):c.1565A>C (p.Gln522Pro)

Gene: RINT1 (RAD50 interactor 1; plus strand). Cytogenetic location: 7q22.3.
Variant type: single nucleotide variant.
Coding change: c.1565A>C on transcript NM_021930.6 (MANE Select); coding-DNA position 1565, A replaced by C.
Protein change: p.Gln522Pro; replaces glutamine 522 with proline.
Molecular consequence: missense variant.
Genome position (GRCh38, 1-based): chr7:105,555,121, A>C. VCF-style: chr7-105555121-A-C. GRCh37 (hg19) VCF-style: chr7-105195568-A-C.
Other names: c.1331A>C, p.Gln444Pro (NM_001346599.2); c.542A>C, p.Gln181Pro (NM_001346600.2, NM_001346603.2); c.641A>C, p.Gln214Pro (NM_001346601.2); short protein forms Q181P, Q444P, Q214P, Q522P.
Identifiers: ClinVar variation 2448421 (VCV002448421.2), dbSNP rs2485149664, ClinGen allele CA368811650.

ClinVar aggregate classification (germline): Uncertain significance (1 of 4 stars; one submission).

Submission:

Ambry Genetics
Classification: Uncertain significance. Last evaluated: 2023-01-31. Review status: criteria provided, single submitter. Criteria: Ambry Variant Classification Scheme 2023. Collection method: clinical testing. Allele origin: germline.
Comment: The p.Q522P variant (also known as c.1565A>C), located in coding exon 11 of the RINT1 gene, results from an A to C substitution at nucleotide position 1565. The glutamine at codon 522 is replaced by proline, an amino acid with similar properties. This amino acid position is conserved. In addition, this alteration is predicted to be deleterious by in silico analysis. Since supporting evidence is limited at this time, the clinical significance of this alteration remains unclear.